The following is an entry in ClinVar:

ClinVar aggregate classification (germline): Uncertain significance (1 of 4 stars; one submission).

gnomAD v4.1: 1 of 1,211,285 alleles (0.000083%); no homozygotes.

Submission:

CeGaT Center for Human Genetics Tuebingen
Classification: Uncertain significance. Last evaluated: 2025-08-01. Review status: criteria provided, single submitter. Criteria: CeGaT Center For Human Genetics Tuebingen Variant Classification Criteria Version 2. Collection method: clinical testing. Allele origin: germline. Affected: yes. Observed: 1 variant allele.
Comment: FHL1: PM2

NM_001159702.3(FHL1):c.745G>C (p.Val249Leu)

Gene: FHL1 (four and a half LIM domains 1; plus strand). Cytogenetic location: Xq26.3.
Variant type: single nucleotide variant.
Coding change: c.745G>C on transcript NM_001159702.3 (MANE Plus Clinical); coding-DNA position 745, G replaced by C.
Protein change: p.Val249Leu; replaces valine 249 with leucine.
Molecular consequence: missense variant. On other transcripts: intron variant (11).
Genome position (GRCh38, 1-based): chrX:136,209,299, G>C. VCF-style: chrX-136209299-G-C. GRCh37 (hg19) VCF-style: chrX-135291458-G-C.
Other names: c.550-572G>C (NM_001330659.2); c.689-572G>C (NM_001369331.1, NM_001449.5, NM_001369329.1 and 4 more transcripts); c.745G>C, p.Val249Leu (NM_001369326.1, NM_001369327.2, NM_001369328.1); c.793G>C, p.Val265Leu (NM_001440769.1); c.502-572G>C (NM_001159703.2); c.776-572G>C (NM_001159701.2); c.737-572G>C (NM_001159699.2); short protein forms V249L, V265L.
Identifiers: ClinVar variation 4085921 (VCV004085921.8).